The following is an entry in ClinVar:

NM_018417.6(ADCY10):c.4259T>C (p.Leu1420Pro)

Gene: ADCY10 (adenylate cyclase 10; minus strand). Cytogenetic location: 1q24.2.
Variant type: single nucleotide variant.
Coding change: c.4259T>C on transcript NM_018417.6 (MANE Select); coding-DNA position 4259, T replaced by C.
Protein change: p.Leu1420Pro; replaces leucine 1420 with proline.
Molecular consequence: missense variant.
Genome position (GRCh38, 1-based): chr1:167,822,051, A>G on the plus strand (T>C on the coding strand, the complement: ADCY10 is on the minus strand). VCF-style: chr1-167822051-A-G. GRCh37 (hg19) VCF-style: chr1-167791289-A-G.
Other names: c.3800T>C, p.Leu1267Pro (NM_001167749.3); c.3983T>C, p.Leu1328Pro (NM_001297772.2); short protein forms L1267P, L1328P, L1420P.
Identifiers: ClinVar variation 3605665 (VCV003605665.2).

ClinVar aggregate classification (germline): Uncertain significance (1 of 4 stars; one submission).

gnomAD v4.1: 2 of 1,599,162 alleles (0.00013%); highest among the groups gnomAD compares: African/African-American, 0.0027%; no homozygotes.

Submission:

Labcorp Genetics (formerly Invitae), Labcorp
Classification: Uncertain significance. Last evaluated: 2024-03-07. Review status: criteria provided, single submitter. Criteria: Invitae Variant Classification Sherloc (09022015). Collection method: clinical testing. Allele origin: germline.
Comment: This sequence change replaces leucine, which is neutral and non-polar, with proline, which is neutral and non-polar, at codon 1420 of the ADCY10 protein (p.Leu1420Pro). This variant is not present in population databases (gnomAD no frequency). This variant has not been reported in the literature in individuals affected with ADCY10-related conditions. An algorithm developed to predict the effect of missense changes on protein structure and function (PolyPhen-2) suggests that this variant is likely to be disruptive. In summary, the available evidence is currently insufficient to determine the role of this variant in disease. Therefore, it has been classified as a Variant of Uncertain Significance.